The following is an entry in ClinVar:

ClinVar aggregate classification (germline): Pathogenic (1 of 4 stars; one submission).

Conditions:
Citrullinemia. Identifiers: Orphanet 187, MedGen C0175683, MONDO:0015991.

Submission:

Labcorp Genetics (formerly Invitae), Labcorp
Classification: Pathogenic for Citrullinemia. Last evaluated: 2021-07-06. Review status: criteria provided, single submitter. Criteria: Invitae Variant Classification Sherloc (09022015). Collection method: clinical testing. Allele origin: germline.
Comment: For these reasons, this variant has been classified as Pathogenic. This variant has not been reported in the literature in individuals affected with ASS1-related conditions. This sequence change creates a premature translational stop signal (p.Cys337*) in the ASS1 gene. It is expected to result in an absent or disrupted protein product. Loss-of-function variants in ASS1 are known to be pathogenic (PMID: 18473344, 19006241). The frequency data for this variant in the population databases is not available, as this variant may be reported as separate entries in the ExAC database.

Literature cited by the submitters: PubMed 18473344; PubMed 19006241.

NM_054012.4(ASS1):c.1010_1011delinsAA (p.Cys337Ter)

Gene: ASS1 (argininosuccinate synthase 1; plus strand). Cytogenetic location: 9q34.11.
Variant type: Indel.
Coding change: c.1010_1011delinsAA on transcript NM_054012.4 (MANE Select); coding-DNA positions 1010 to 1011, GC replaced by AA.
Protein change: p.Cys337Ter; replaces cysteine 337 with a stop codon.
Molecular consequence: nonsense.
Genome position (GRCh38, 1-based): chr9:130,494,906-130,494,907, GC replaced by AA. VCF-style: chr9-130494906-GC-AA. GRCh37 (hg19) VCF-style: chr9-133370293-GC-AA.
Other names: c.1010_1011delinsAA, p.Cys337Ter (NM_000050.4); short protein forms C337*.
Identifiers: ClinVar variation 1352022 (VCV001352022.6), dbSNP rs2118880115, ClinGen allele CA2573144052.